The following is an entry in ClinVar:

NM_001300942.2(EMSY):c.2732C>G (p.Ala911Gly)

Gene: EMSY (EMSY transcriptional repressor, BRCA2 interacting; plus strand). Cytogenetic location: 11q13.5.
Variant type: single nucleotide variant.
Coding change: c.2732C>G on transcript NM_001300942.2 (MANE Select); coding-DNA position 2732, C replaced by G.
Protein change: p.Ala911Gly; replaces alanine 911 with glycine.
Molecular consequence: missense variant.
Genome position (GRCh38, 1-based): chr11:76,542,345, C>G. VCF-style: chr11-76542345-C-G. GRCh37 (hg19) VCF-style: chr11-76253389-C-G.
Other names: c.2690C>G, p.Ala897Gly (NM_001300943.2, NM_001300944.2); c.2687C>G, p.Ala896Gly (NM_020193.5); short protein forms A896G, A897G, A911G.
Identifiers: ClinVar variation 4533690 (VCV004533690.6).

ClinVar aggregate classification (germline): Likely benign (1 of 4 stars; one submission).

gnomAD v4.1: 441 of 1,614,052 alleles (0.027%); highest among the groups gnomAD compares: Admixed American, 0.013%; 4 homozygotes.

Submission:

CeGaT Center for Human Genetics Tuebingen
Classification: Likely benign. Last evaluated: 2025-09-01. Review status: criteria provided, single submitter. Criteria: CeGaT Center For Human Genetics Tuebingen Variant Classification Criteria Version 2. Collection method: clinical testing. Allele origin: germline. Affected: yes. Observed: 1 variant allele.
Comment: EMSY: BP4, BS2